The following is an entry in ClinVar:

NM_001377.3(DYNC2H1):c.9505A>G (p.Ile3169Val)

Gene: DYNC2H1 (dynein cytoplasmic 2 heavy chain 1; plus strand). Cytogenetic location: 11q22.3.
Variant type: single nucleotide variant.
Coding change: c.9505A>G on transcript NM_001377.3 (MANE Select); coding-DNA position 9505, A replaced by G.
Protein change: p.Ile3169Val; replaces isoleucine 3169 with valine.
Molecular consequence: missense variant.
Genome position (GRCh38, 1-based): chr11:103,234,098, A>G. VCF-style: chr11-103234098-A-G. GRCh37 (hg19) VCF-style: chr11-103104827-A-G.
Other names: c.9505A>G, p.Ile3169Val (NM_001080463.2); short protein forms I3169V.
Identifiers: ClinVar variation 618077 (VCV000618077.23), dbSNP rs200170585, ClinGen allele CA6254707.

ClinVar aggregate classification (germline): Conflicting classifications of pathogenicity. Review status: criteria provided, conflicting classifications (1 of 4 stars). 6 submissions from 6 submitters: Uncertain significance (2); Likely benign (4). Last evaluated 2026-05-06.

Conditions:
DYNC2H1-related disorder. Also called: DYNC2H1-related condition; DYNC2H1-related disorders. Identifiers: MedGen CN378770.
Jeune thoracic dystrophy. Also called: Short-rib thoracic dysplasia; Jeune syndrome; Infantile thoracic dystrophy; Thoracic pelvic phalangeal dystrophy; Jeune's syndrome; Chondroectodermal dysplasia-like syndrome. Identifiers: Orphanet 474, MedGen C0265275, MONDO:0018770.
Inborn genetic diseases. Identifiers: MedGen C0950123, MeSH D030342.

Allele frequency attached by ClinVar (database versions not stated): ESP Exome Variant Server 0.00110; gnomAD exomes 0.00007 and 0.00020; 1000 Genomes Project 30x 0.00031; 1000 Genomes Project 0.00040; ExAC 0.00046; gnomAD 0.00083 and 0.00090; TOPMed 0.00088.
gnomAD v4.1: 237 of 1,571,902 alleles (0.015%); highest among the groups gnomAD compares: African/African-American, 0.29%; no homozygotes.

Submissions (6):

PreventionGenetics, part of Exact Sciences
Classification: Likely benign for DYNC2H1-related condition. Last evaluated: 2026-05-06. Review status: criteria provided, single submitter. Criteria: ACMG Guidelines, 2015. Collection method: clinical testing. Allele origin: germline.
Comment: This variant is classified as likely benign based on ACMG/AMP sequence variant interpretation guidelines (Richards et al. 2015 PMID: 25741868, with internal and published modifications).

Labcorp Genetics (formerly Invitae), Labcorp
Classification: Likely benign for Jeune thoracic dystrophy. Last evaluated: 2026-01-28. Review status: criteria provided, single submitter. Criteria: Invitae Variant Classification Sherloc (09022015). Collection method: clinical testing. Allele origin: germline.

Ambry Genetics
Classification: Uncertain significance for Inborn genetic diseases. Last evaluated: 2024-03-30. Review status: criteria provided, single submitter. Criteria: Ambry Variant Classification Scheme 2023. Collection method: clinical testing. Allele origin: germline.

Blueprint Genetics
Classification: Likely benign. Last evaluated: 2022-11-04. Review status: criteria provided, single submitter. Criteria: ACMG Guidelines, 2015. Collection method: clinical testing. Allele origin: germline.

Women's Health and Genetics/Laboratory Corporation of America, LabCorp
Classification: Likely benign. Last evaluated: 2022-03-31. Review status: criteria provided, single submitter. Criteria: LabCorp Variant Classification Summary - May 2015. Collection method: clinical testing. Allele origin: germline.
Comment: Variant summary: DYNC2H1 c.9505A>G (p.Ile3169Val) results in a conservative amino acid change located in the Dynein heavy chain, coiled coil stalk domain (IPR024743) of the encoded protein sequence. Four of five in-silico tools predict a benign effect of the variant on protein function. The variant allele was found at a frequency of 0.0002 in 189026 control chromosomes, predominantly at a frequency of 0.0032 within the African or African-American subpopulation in the gnomAD database. This frequency does not allow conclusions about variant significance although the frequency seems higher than would be expected for an early onset phenotypic presentation. To our knowledge, no occurrence of c.9505A>G in individuals affected with Short-Rib Thoracic Dysplasia 3 With Or Without Polydactyly and no experimental evidence demonstrating its impact on protein function have been reported. Two clinical diagnostic laboratories have submitted clinical-significance assessments for this variant to ClinVar after 2014 without evidence for independent evaluation. One laboratory classified the variant as likely benign and one laboratory classified the variant as uncertain significance. Based on the evidence outlined above, the variant was classified as likely benign.

ARUP Laboratories, Molecular Genetics and Genomics, ARUP Laboratories
Classification: Uncertain significance. Last evaluated: 2017-06-08. Review status: criteria provided, single submitter. Criteria: ARUP Molecular Germline Variant Investigation Process. Collection method: clinical testing. Allele origin: germline.
Comment: One copy of a variant of uncertain significance, c.9505A>G; p.Ile3169Val, was detected in the DYNC2H1 gene by massively parallel sequencing and confirmed by Sanger sequencing. The p.Ile3169Val variant (rs200170585) has not been reported in the medical literature, is not listed in gene-specific variant databases, nor has it been previously identified in our laboratory. This variant is listed in the Exome Variant Server (EVS) with an overall allele frequency 0.11% (identified in 13 out of 11,870 chromosomes), and in the ExAC browser with an overall frequency 0.05% (identified in 14 out of 30,434 chromosomes). The isoleucine at codon 3169 is highly conserved considering 28 species up to C. elegans (Alamut software v2.7.1), although computational prediction programs return mixed results regarding impact of this variant on DYNC2H1 protein structure/function (SIFT: damaging, PolyPhen2: benign, MutationTaster: disease causing). Thus, based on the available information, the clinical significance of the p.Ile3169Val variant cannot be determined with certainty.